The following is an entry in ClinVar:

NM_001267550.2(TTN):c.34735C>T (p.Pro11579Ser)

Gene: TTN (titin; minus strand). Cytogenetic location: 2q31.2.
Variant type: single nucleotide variant.
Coding change: c.34735C>T on transcript NM_001267550.2 (MANE Select); coding-DNA position 34735, C replaced by T.
Protein change: p.Pro11579Ser; replaces proline 11579 with serine.
Molecular consequence: missense variant. On other transcripts: intron variant (3).
Genome position (GRCh38, 1-based): chr2:178,673,684, G>A on the plus strand (C>T on the coding strand, the complement: TTN is on the minus strand). VCF-style: chr2-178673684-G-A. GRCh37 (hg19) VCF-style: chr2-179538411-G-A.
Other names: c.33613C>T, p.Pro11205Ser (NM_001256850.1); c.30832C>T, p.Pro10278Ser (NM_133378.4); c.13283-31367C>T (NM_003319.4); c.13859-31367C>T (NM_133437.4); c.13658-31367C>T (NM_133432.3); short protein forms P11579S, P10278S, P11205S.
Identifiers: ClinVar variation 467043 (VCV000467043.5), dbSNP rs754511830, ClinGen allele CA1997992.

ClinVar aggregate classification (germline): Conflicting classifications of pathogenicity. Review status: criteria provided, conflicting classifications (1 of 4 stars). 3 submissions from 3 submitters: Uncertain significance (2); Likely benign (1). Last evaluated 2026-04-09.

Conditions:
TTN-related disorder. Also called: TTN-related condition; TTN-related disease; TTN-related disorders.
Autosomal recessive limb-girdle muscular dystrophy type 2J (LGMDR10). Also called: Limb-girdle muscular dystrophy, type 2J; MUSCULAR DYSTROPHY, LIMB-GIRDLE, AUTOSOMAL RECESSIVE 10. Identifiers: Orphanet 140922, MedGen C1837342, MONDO:0012127, OMIM 608807.
Dilated cardiomyopathy 1G (CMD1G). Identifiers: Orphanet 154, MedGen C1858763, MONDO:0011400, OMIM 604145.

Allele frequency attached by ClinVar (database versions not stated): gnomAD exomes 0.00001; ExAC 0.00003; gnomAD 0.00004; TOPMed 0.00008.
gnomAD v4.1: 12 of 1,590,202 alleles (0.00075%); highest among the groups gnomAD compares: African/African-American, 0.014%; no homozygotes.

Submissions (3):

PreventionGenetics, part of Exact Sciences
Classification: Uncertain significance for TTN-related condition. Last evaluated: 2026-04-09. Review status: criteria provided, single submitter. Criteria: ACMG Guidelines, 2015. Collection method: clinical testing. Allele origin: germline.
Comment: The TTN c.34735C>T variant is predicted to result in the amino acid substitution p.Pro11579Ser. To our knowledge, this variant has not been reported in the literature. This variant is reported in 0.022% of alleles in individuals of African descent in gnomAD. At this time, the clinical significance of this variant is uncertain due to the absence of conclusive functional and genetic evidence.

GeneDx
Classification: Likely benign. Last evaluated: 2018-05-11. Review status: criteria provided, single submitter. Criteria: GeneDx Variant Classification (06012015). Collection method: clinical testing. Allele origin: germline. Affected: yes.
Comment: This variant is considered likely benign or benign based on one or more of the following criteria: it is a conservative change, it occurs at a poorly conserved position in the protein, it is predicted to be benign by multiple in silico algorithms, and/or has population frequency not consistent with disease.

Labcorp Genetics (formerly Invitae), Labcorp
Classification: Uncertain significance for Dilated cardiomyopathy 1G; Autosomal recessive limb-girdle muscular dystrophy type 2J. Last evaluated: 2017-04-12. Review status: criteria provided, single submitter. Criteria: Invitae Variant Classification Sherloc (09022015). Collection method: clinical testing. Allele origin: germline.